The following is an entry in ClinVar:

NM_194250.2(ZNF804A):c.3009A>T (p.Pro1003=)

Gene: ZNF804A (zinc finger protein 804A; plus strand). Cytogenetic location: 2q32.1.
Variant type: single nucleotide variant.
Coding change: c.3009A>T on transcript NM_194250.2 (MANE Select); coding-DNA position 3009, A replaced by T.
Protein change: p.Pro1003=; no amino-acid change (proline 1003 retained).
Molecular consequence: synonymous variant.
Genome position (GRCh38, 1-based): chr2:184,938,405, A>T. VCF-style: chr2-184938405-A-T. GRCh37 (hg19) VCF-style: chr2-185803132-A-T.
Identifiers: ClinVar variation 710900 (VCV000710900.5), dbSNP rs150204094, ClinGen allele CA2016234.

ClinVar aggregate classification (germline): Benign. Review status: criteria provided, single submitter (1 of 4 stars). 2 submissions from 2 submitters: Benign (1). 1 of the submissions does not count toward it. Last evaluated 2018-04-04.

Conditions:
ZNF804A-related disorder. Also called: ZNF804A-related condition.

Allele frequency attached by ClinVar (database versions not stated): 1000 Genomes Project 30x 0.00047; 1000 Genomes Project 0.00060; TOPMed 0.00074; gnomAD 0.00089; ESP Exome Variant Server 0.00100.
gnomAD v4.1: 213 of 1,614,030 alleles (0.013%); highest among the groups gnomAD compares: African/African-American, 0.27%; no homozygotes.

Submissions (2):

Labcorp Genetics (formerly Invitae), Labcorp
Classification: Benign. Last evaluated: 2018-04-04. Review status: criteria provided, single submitter. Criteria: Invitae Variant Classification Sherloc (09022015). Collection method: clinical testing. Allele origin: germline.

PreventionGenetics, part of Exact Sciences
Classification: Likely benign for ZNF804A-related condition. Last evaluated: 2019-05-24. Review status: no assertion criteria provided. Collection method: clinical testing. Allele origin: germline. Not counted in ClinVar's aggregate classification.
Comment: This variant is classified as likely benign based on ACMG/AMP sequence variant interpretation guidelines (Richards et al. 2015 PMID: 25741868, with internal and published modifications).